The following is an entry in ClinVar:

NM_007348.4(ATF6):c.1912C>T (p.Arg638Ter)

Gene: ATF6 (activating transcription factor 6; plus strand). Cytogenetic location: 1q23.3.
Variant type: single nucleotide variant.
Coding change: c.1912C>T on transcript NM_007348.4 (MANE Select); coding-DNA position 1912, C replaced by T.
Protein change: p.Arg638Ter; replaces arginine 638 with a stop codon.
Molecular consequence: nonsense.
Genome position (GRCh38, 1-based): chr1:161,958,553, C>T. VCF-style: chr1-161958553-C-T. GRCh37 (hg19) VCF-style: chr1-161928343-C-T.
Other names: short protein forms R638*.
Identifiers: ClinVar variation 1352262 (VCV001352262.6), dbSNP rs775342946, ClinGen allele CA1214633.

ClinVar aggregate classification (germline): Uncertain significance. Review status: criteria provided, multiple submitters, no conflicts (2 of 4 stars). 2 submissions from 2 submitters: Uncertain significance (2). Last evaluated 2022-06-13.

Allele frequency attached by ClinVar (database versions not stated): gnomAD 0.00001; gnomAD exomes 0.00001; TOPMed 0.00001; ExAC 0.00002.
gnomAD v4.1: 12 of 1,613,970 alleles (0.00074%); highest among the groups gnomAD compares: Middle Eastern, 0.016%; no homozygotes.

Submissions (2):

Labcorp Genetics (formerly Invitae), Labcorp
Classification: Uncertain significance. Last evaluated: 2022-06-13. Review status: criteria provided, single submitter. Criteria: Invitae Variant Classification Sherloc (09022015). Collection method: clinical testing. Allele origin: germline.
Comment: This sequence change creates a premature translational stop signal (p.Arg638*) in the ATF6 gene. While this is not anticipated to result in nonsense mediated decay, it is expected to disrupt the last 33 amino acid(s) of the ATF6 protein. This variant is present in population databases (rs775342946, gnomAD 0.01%). This variant has not been reported in the literature in individuals affected with ATF6-related conditions. Experimental studies and prediction algorithms are not available or were not evaluated, and the functional significance of this variant is currently unknown. In summary, the available evidence is currently insufficient to determine the role of this variant in disease. Therefore, it has been classified as a Variant of Uncertain Significance.

Blueprint Genetics
Classification: Uncertain significance. Last evaluated: 2017-11-06. Review status: criteria provided, single submitter. Criteria: ACMG Guidelines, 2015. Collection method: clinical testing. Allele origin: germline.